The following is an entry in ClinVar:

NM_022773.4(LMF1):c.1553G>A (p.Arg518Lys)

Gene: LMF1 (lipase maturation factor 1; minus strand). Cytogenetic location: 16p13.3.
Variant type: single nucleotide variant.
Coding change: c.1553G>A on transcript NM_022773.4 (MANE Select); coding-DNA position 1553, G replaced by A.
Protein change: p.Arg518Lys; replaces arginine 518 with lysine.
Molecular consequence: missense variant. On other transcripts: synonymous variant (1), non-coding transcript variant (1).
Genome position (GRCh38, 1-based): chr16:854,683, C>T on the plus strand (G>A on the coding strand, the complement: LMF1 is on the minus strand). VCF-style: chr16-854683-C-T. GRCh37 (hg19) VCF-style: chr16-904683-C-T.
Other names: c.902G>A, p.Arg301Lys (NM_001352017.2, NM_001352021.2); c.1154G>A, p.Arg385Lys (NM_001352018.2); c.1226G>A, p.Arg409Lys (NM_001352019.2); c.1473G>A, p.Gln491= (NM_001352020.1); short protein forms R301K, R385K, R518K, R409K.
Identifiers: ClinVar variation 1775108 (VCV001775108.2), dbSNP rs2544423581, ClinGen allele CA394114964.

ClinVar aggregate classification (germline): Uncertain significance (1 of 4 stars; one submission).

Conditions:
Cardiovascular phenotype. Identifiers: MedGen CN230736.

Allele frequency attached by ClinVar (database versions not stated): gnomAD exomes below 0.00001.

Submission:

Ambry Genetics
Classification: Uncertain significance for Cardiovascular phenotype. Last evaluated: 2021-08-16. Review status: criteria provided, single submitter. Criteria: Ambry Variant Classification Scheme 2023. Collection method: clinical testing. Allele origin: germline.
Comment: The p.R518K variant (also known as c.1553G>A), located in coding exon 11 of the LMF1 gene, results from a G to A substitution at nucleotide position 1553. The arginine at codon 518 is replaced by lysine, an amino acid with highly similar properties. This amino acid position is conserved. In addition, this alteration is predicted to be tolerated by in silico analysis. Since supporting evidence is limited at this time, the clinical significance of this alteration remains unclear.